The following is an entry in ClinVar:

NM_000180.4(GUCY2D):c.488C>T (p.Pro163Leu)

Gene: GUCY2D (guanylate cyclase 2D, retinal; plus strand). Cytogenetic location: 17p13.1.
Variant type: single nucleotide variant.
Coding change: c.488C>T on transcript NM_000180.4 (MANE Select); coding-DNA position 488, C replaced by T.
Protein change: p.Pro163Leu; replaces proline 163 with leucine.
Molecular consequence: missense variant.
Genome position (GRCh38, 1-based): chr17:8,003,535, C>T. VCF-style: chr17-8003535-C-T. GRCh37 (hg19) VCF-style: chr17-7906853-C-T.
Other names: short protein forms P163L.
Identifiers: ClinVar variation 1081825 (VCV001081825.12), dbSNP rs200586401, ClinGen allele CA8365499.

ClinVar aggregate classification (germline): Conflicting classifications of pathogenicity. Review status: criteria provided, conflicting classifications (1 of 4 stars). 4 submissions from 4 submitters: Uncertain significance (2); Likely benign (2). Last evaluated 2026-02-01.

Conditions:
Inborn genetic diseases. Identifiers: MedGen C0950123, MeSH D030342.
Leber congenital amaurosis 1 (LCA1). Also called: RETINAL BLINDNESS, CONGENITAL; AMAUROSIS CONGENITA OF LEBER I; Congenital absence of the rods and cones; Leber's congenital tapetoretinal degeneration; Leber's congenital tapetoretinal dysplasia. Identifiers: Orphanet 65, MedGen C2931258, MONDO:0008764, OMIM 204000.
Cone-rod dystrophy 6 (CORD6). Also called: RETINAL CONE DYSTROPHY 2; Cone dystrophy progressive. Identifiers: Orphanet 1872, MedGen C1866293, MONDO:0011143, OMIM 601777.

Allele frequency attached by ClinVar (database versions not stated): gnomAD exomes 0.00018; ExAC 0.00061; TOPMed 0.00105; 1000 Genomes Project 0.00120; 1000 Genomes Project 30x 0.00125.
gnomAD v4.1: 303 of 1,546,872 alleles (0.02%); highest among the groups gnomAD compares: African/African-American, 0.38%; no homozygotes.

Submissions (4):

Labcorp Genetics (formerly Invitae), Labcorp
Classification: Likely benign for Leber congenital amaurosis 1; Cone-rod dystrophy 6. Last evaluated: 2026-02-01. Review status: criteria provided, single submitter. Criteria: Invitae Variant Classification Sherloc (09022015). Collection method: clinical testing. Allele origin: germline.

Ambry Genetics
Classification: Uncertain significance for Inborn genetic diseases. Last evaluated: 2025-02-20. Review status: criteria provided, single submitter. Criteria: Ambry Variant Classification Scheme 2023. Collection method: clinical testing. Allele origin: germline.

Blueprint Genetics
Classification: Likely benign. Last evaluated: 2024-07-16. Review status: criteria provided, single submitter. Criteria: ACMG Guidelines, 2015. Collection method: clinical testing. Allele origin: germline.

GeneDx
Classification: Uncertain significance. Last evaluated: 2019-10-23. Review status: criteria provided, single submitter. Criteria: GeneDx Variant Classification Process June 2021. Collection method: clinical testing. Allele origin: germline. Affected: yes.
Comment: In silico analysis, which includes protein predictors and evolutionary conservation, supports a deleterious effect; Has not been previously published as pathogenic or benign to our knowledge; This variant is associated with the following publications: (PMID: 12187427)